The following is an entry in ClinVar:

NM_005984.5(SLC25A1):c.486A>T (p.Arg162Ser)

Gene: SLC25A1 (solute carrier family 25 member 1; minus strand). Cytogenetic location: 22q11.21.
Variant type: single nucleotide variant.
Coding change: c.486A>T on transcript NM_005984.5 (MANE Select); coding-DNA position 486, A replaced by T.
Protein change: p.Arg162Ser; replaces arginine 162 with serine.
Molecular consequence: missense variant. On other transcripts: non-coding transcript variant (1).
Genome position (GRCh38, 1-based): chr22:19,177,160, T>A on the plus strand (A>T on the coding strand, the complement: SLC25A1 is on the minus strand). VCF-style: chr22-19177160-T-A. GRCh37 (hg19) VCF-style: chr22-19164673-T-A.
Other names: c.507A>T, p.Arg169Ser (NM_001256534.2); c.177A>T, p.Arg59Ser (NM_001287387.2); short protein forms R59S, R162S, R169S.
Identifiers: ClinVar variation 1932009 (VCV001932009.4), dbSNP rs889607812, ClinGen allele CA321345142.

ClinVar aggregate classification (germline): Uncertain significance (1 of 4 stars; one submission).

Allele frequency attached by ClinVar (database versions not stated): gnomAD exomes below 0.00001; TOPMed below 0.00001.
gnomAD v4.1: 1 of 1,614,022 alleles (0.000062%); highest among the groups gnomAD compares: Admixed American, 0.0017%; no homozygotes.

Submission:

Labcorp Genetics (formerly Invitae), Labcorp
Classification: Uncertain significance. Last evaluated: 2022-11-22. Review status: criteria provided, single submitter. Criteria: Invitae Variant Classification Sherloc (09022015). Collection method: clinical testing. Allele origin: germline.
Comment: This variant is not present in population databases (gnomAD no frequency). In summary, the available evidence is currently insufficient to determine the role of this variant in disease. Therefore, it has been classified as a Variant of Uncertain Significance. Advanced modeling of protein sequence and biophysical properties (such as structural, functional, and spatial information, amino acid conservation, physicochemical variation, residue mobility, and thermodynamic stability) performed at Invitae indicates that this missense variant is not expected to disrupt SLC25A1 protein function. This variant has not been reported in the literature in individuals affected with SLC25A1-related conditions. This sequence change replaces arginine, which is basic and polar, with serine, which is neutral and polar, at codon 162 of the SLC25A1 protein (p.Arg162Ser).